The following is an entry in ClinVar:

NM_001267550.2(TTN):c.12145C>T (p.Pro4049Ser)

Gene: TTN (titin; minus strand). Cytogenetic location: 2q31.2.
Variant type: single nucleotide variant.
Coding change: c.12145C>T on transcript NM_001267550.2 (MANE Select); coding-DNA position 12145, C replaced by T.
Protein change: p.Pro4049Ser; replaces proline 4049 with serine.
Molecular consequence: missense variant. On other transcripts: intron variant (1).
Genome position (GRCh38, 1-based): chr2:178,741,088, G>A on the plus strand (C>T on the coding strand, the complement: TTN is on the minus strand). VCF-style: chr2-178741088-G-A. GRCh37 (hg19) VCF-style: chr2-179605815-G-A.
Other names: c.11194C>T, p.Pro3732Ser (NM_001256850.1); c.11431C>T, p.Pro3811Ser (NM_133432.3); c.11056C>T, p.Pro3686Ser (NM_003319.4); c.11632C>T, p.Pro3878Ser (NM_133437.4); c.10361-2728C>T (NM_133378.4); short protein forms P4049S, P3811S, P3732S, P3878S, P3686S.
Identifiers: ClinVar variation 47817 (VCV000047817.68), dbSNP rs201888760, ClinGen allele CA141967.

ClinVar aggregate classification (germline): Conflicting classifications of pathogenicity. Review status: criteria provided, conflicting classifications (1 of 4 stars). 14 submissions from 14 submitters: Uncertain significance (3); Benign (1); Likely benign (9). 1 of the submissions does not count toward it. Last evaluated 2025-09-29.

Conditions:
TTN-related disorder. Also called: TTN-related disorders; TTN-related condition; TTN-related disease.
Cardiovascular phenotype. Identifiers: MedGen CN230736.
Autosomal recessive limb-girdle muscular dystrophy type 2J (LGMDR10). Also called: MUSCULAR DYSTROPHY, LIMB-GIRDLE, AUTOSOMAL RECESSIVE 10; Limb-girdle muscular dystrophy, type 2J. Identifiers: Orphanet 140922, MedGen C1837342, MONDO:0012127, OMIM 608807.
Dilated cardiomyopathy 1G (CMD1G). Identifiers: Orphanet 154, MedGen C1858763, MONDO:0011400, OMIM 604145.
Cardiomyopathy (CMYO). Also called: Cardiomyopathies. Identifiers: Orphanet 167848, MedGen C0878544, MONDO:0004994, HP:0001638. Inheritance: Various modes of inheritance.

Allele frequency attached by ClinVar (database versions not stated): gnomAD exomes 0.00030 and 0.00039; ExAC 0.00048; ESP Exome Variant Server 0.00008; gnomAD 0.00016 and 0.00018; TOPMed 0.00018.
gnomAD v4.1: 472 of 1,613,880 alleles (0.029%); highest among the groups gnomAD compares: Middle Eastern, 0.45%; 2 homozygotes.

Submissions (14):

PreventionGenetics, part of Exact Sciences
Classification: Likely benign for TTN-related condition. Last evaluated: 2025-09-29. Review status: criteria provided, single submitter. Criteria: ACMG Guidelines, 2015. Collection method: clinical testing. Allele origin: germline.
Comment: This variant is classified as likely benign based on ACMG/AMP sequence variant interpretation guidelines (Richards et al. 2015 PMID: 25741868, with internal and published modifications).

CeGaT Center for Human Genetics Tuebingen
Classification: Likely benign. Last evaluated: 2025-07-01. Review status: criteria provided, single submitter. Criteria: CeGaT Center For Human Genetics Tuebingen Variant Classification Criteria Version 2. Collection method: clinical testing. Allele origin: germline. Affected: yes. Observed: 10 variant alleles.
Comment: TTN: BP4

Athena Diagnostics
Classification: Likely benign. Last evaluated: 2025-04-29. Review status: criteria provided, single submitter. Criteria: Athena Diagnostics Criteria. Collection method: clinical testing. Allele origin: unknown.
Comment: The frequency of this variant in the general population is higher than would generally be expected for pathogenic variants in this gene. Computational tools predict this amino acid change may be benign.

Molecular Diagnostic Laboratory for Inherited Cardiovascular Disease, Montreal Heart Institute
Classification: Likely benign. Last evaluated: 2025-04-09. Review status: criteria provided, single submitter. Criteria: ACMG Guidelines, 2015. Collection method: clinical testing. Allele origin: germline. Affected: no.

Women's Health and Genetics/Laboratory Corporation of America, LabCorp
Classification: Likely benign. Last evaluated: 2024-12-09. Review status: criteria provided, single submitter. Criteria: LabCorp Variant Classification Summary - May 2015. Collection method: clinical testing. Allele origin: germline.
Comment: Variant summary: TTN c.10361-2728C>T is located at a position not widely known to affect splicing. This variant corresponds to c.12145C>T (p.Pro4049Ser) in NM_001267550. Consensus agreement among computation tools predict no significant impact on normal splicing. However, these predictions have yet to be confirmed by functional studies. The variant allele was found at a frequency of 0.00039 in 248296 control chromosomes, predominantly at a frequency of 0.00053 within the Non-Finnish European subpopulation in the gnomAD database. The observed variant frequency within Non-Finnish European control individuals in the gnomAD database is approximately 1.36 fold of the estimated maximal expected allele frequency for a pathogenic variant in TTN causing Autosomal Recessive Titinopathy phenotype (0.00039). c.10361-2728C>T has been reported in the presumed heterozygous state or in the presumed compound heterozygous state with an unknown 2nd allele truncation in the literature in at least 2 individuals affected with dilated cardiomyopathy (example, Franaszczyk_2017, Pugh_2014), without strong evidence for causality. These reports do not provide unequivocal conclusions about association of the variant with Autosomal Recessive Titinopathy. To our knowledge, no experimental evidence demonstrating an impact on protein function has been reported. ClinVar contains an entry for this variant (Variation ID: 47817). Based on the evidence outlined above, the variant was classified as likely benign.

Blueprint Genetics
Classification: Likely benign. Last evaluated: 2024-09-25. Review status: criteria provided, single submitter. Criteria: ACMG Guidelines, 2015. Collection method: clinical testing. Allele origin: germline.

CHEO Genetics Diagnostic Laboratory, Children's Hospital of Eastern Ontario
Classification: Benign for Cardiomyopathy. Last evaluated: 2023-06-08. Review status: criteria provided, single submitter. Criteria: ACMG Guidelines, 2015. Collection method: clinical testing. Allele origin: germline.

GeneDx
Classification: Likely benign. Last evaluated: 2021-02-03. Review status: criteria provided, single submitter. Criteria: GeneDx Variant Classification Process June 2021. Collection method: clinical testing. Allele origin: germline. Affected: yes.

Ambry Genetics
Classification: Likely benign for Cardiovascular phenotype. Last evaluated: 2019-09-12. Review status: criteria provided, single submitter. Criteria: Ambry Variant Classification Scheme 2023. Collection method: clinical testing. Allele origin: germline.

Labcorp Genetics (formerly Invitae), Labcorp
Classification: Uncertain significance for Dilated cardiomyopathy 1G; Autosomal recessive limb-girdle muscular dystrophy type 2J. Last evaluated: 2017-12-07. Review status: criteria provided, single submitter. Criteria: Invitae Variant Classification Sherloc (09022015). Collection method: clinical testing. Allele origin: germline.

Eurofins Ntd Llc (ga)
Classification: Uncertain significance. Last evaluated: 2017-05-16. Review status: criteria provided, single submitter. Criteria: EGL Classification Definitions 2015. Collection method: clinical testing. Allele origin: germline. Observed: 3 variant alleles, 3 heterozygotes.

Biesecker Lab/Clinical Genomics Section, National Institutes of Health
Classification: Likely benign. Last evaluated: 2013-06-24. Review status: criteria provided, single submitter. Criteria: Ng et al. (Circ Cardiovasc Genet. 2013). Collection method: research. Allele origin: unknown. Observed: 2 variant alleles. Study: ClinSeq.
Comment: The study set was not selected for affection status in relation to any cancer. Pathogenicity categories were based on literature curation. See Pubmed ID:23861362 for details.

Medical sequencing

Laboratory for Molecular Medicine, Mass General Brigham Personalized Medicine
Classification: Uncertain significance. Last evaluated: 2012-03-20. Review status: criteria provided, single submitter. Criteria: LMM Criteria. Collection method: clinical testing. Allele origin: germline. Observed: 1 variant allele.
Comment: The Pro3811Ser variant in TTN has been identified in 1/6622 European American ch romosomes from a broad population by the NHLBI Exome Sequencing Project. Conservation and computational tools are limited or unavailable for this variant. Additional information is needed to assess the cli nical significance of this variant.

Department of Pathology and Laboratory Medicine, Sinai Health System
Classification: Uncertain significance. Review status: no assertion criteria provided. Collection method: clinical testing. Allele origin: unknown. Affected: yes. Study: The Canadian Open Genetics Repository (COGR). Not counted in ClinVar's aggregate classification.
Comment: The TTN p.Pro3878Ser variant was identified in 1 of 144 proband chromosomes (frequency: 0.0069) from an individual with dilated cardiomyopathy who also carried a TTN truncating mutation (Franaszczyk_2017_PMID:28045975). The variant was identified in dbSNP (ID: rs201888760) and ClinVar (classified as likely benign by Biesecker Lab and GeneDx and uncertain significance by Invitae, Athena Diagnostics Inc, Laboratory for Molecular Medicine and EGL Genetic Diagnostics). The variant was identified in control databases in 104 of 279690 chromosomes (1 homozygous) at a frequency of 0.0003718 increasing the likelihood this could be a low frequency benign variant (Genome Aggregation Database March 6, 2019, v2.1.1). The variant was observed in the following populations: Ashkenazi Jewish in 11 of 10328 chromosomes (freq: 0.001065), Other in 7 of 7110 chromosomes (freq: 0.000985), European (non-Finnish) in 63 of 127606 chromosomes (freq: 0.000494), South Asian in 13 of 30594 chromosomes (freq: 0.000425), Latino in 6 of 35360 chromosomes (freq: 0.00017) and African in 4 of 24182 chromosomes (freq: 0.000165), but was not observed in the East Asian, or European (Finnish) populations. The p.Pro3878 residue has limited species conservation data and computational analyses (BLOSUM, MutationTaster) provide inconsistent predictions regarding the impact to the protein. The variant occurs outside of the splicing consensus sequence and 1 of 4 in silico or computational prediction software programs (SpliceSiteFinder, MaxEntScan, NNSPLICE, GeneSplicer) predict a greater than 10% difference in splicing; this is not very predictive of pathogenicity. In summary, based on the above information the clinical significance of this variant cannot be determined with certainty at this time. This variant is classified as a variant of uncertain significance.

Literature cited by the submitters: PubMed 28045975 (cited by Athena Diagnostics); PubMed 23861362 (cited by Athena Diagnostics); PubMed 37926714 (cited by Athena Diagnostics).